The following is an entry in ClinVar:

ClinVar aggregate classification (germline): Uncertain significance (1 of 4 stars; one submission).

Submission:

Labcorp Genetics (formerly Invitae), Labcorp
Classification: Uncertain significance. Last evaluated: 2024-09-14. Review status: criteria provided, single submitter. Criteria: Invitae Variant Classification Sherloc (09022015). Collection method: clinical testing. Allele origin: germline.
Comment: This sequence change replaces aspartic acid, which is acidic and polar, with asparagine, which is neutral and polar, at codon 529 of the TRPV6 protein (p.Asp529Asn). This variant is not present in population databases (gnomAD no frequency). This variant has not been reported in the literature in individuals affected with TRPV6-related conditions. Experimental studies and prediction algorithms are not available or were not evaluated, and the functional significance of this variant is currently unknown. In summary, the available evidence is currently insufficient to determine the role of this variant in disease. Therefore, it has been classified as a Variant of Uncertain Significance.

NM_018646.6(TRPV6):c.1585G>A (p.Asp529Asn)

Gene: TRPV6 (transient receptor potential cation channel subfamily V member 6; minus strand). Cytogenetic location: 7q34.
Variant type: single nucleotide variant.
Coding change: c.1585G>A on transcript NM_018646.6 (MANE Select); coding-DNA position 1585, G replaced by A.
Protein change: p.Asp529Asn; replaces aspartic acid 529 with asparagine.
Molecular consequence: missense variant.
Genome position (GRCh38, 1-based): chr7:142,874,130, C>T on the plus strand (G>A on the coding strand, the complement: TRPV6 is on the minus strand). VCF-style: chr7-142874130-C-T. GRCh37 (hg19) VCF-style: chr7-142571883-C-T.
Other names: short protein forms D529N.
Identifiers: ClinVar variation 3619165 (VCV003619165.2).